The following is an entry in ClinVar:

NM_000295.5(SERPINA1):c.538C>T (p.Gln180Ter)

Gene: SERPINA1 (serpin family A member 1; minus strand). Cytogenetic location: 14q32.13.
Variant type: single nucleotide variant.
Coding change: c.538C>T on transcript NM_000295.5 (MANE Select); coding-DNA position 538, C replaced by T.
Protein change: p.Gln180Ter; replaces glutamine 180 with a stop codon.
Molecular consequence: nonsense.
Genome position (GRCh38, 1-based): chr14:94,382,700, G>A on the plus strand (C>T on the coding strand, the complement: SERPINA1 is on the minus strand). VCF-style: chr14-94382700-G-A. GRCh37 (hg19) VCF-style: chr14-94849037-G-A.
Other names: c.538C>T, p.Gln180Ter (NM_001002235.3, NM_001002236.3, NM_001127700.2 and 7 more transcripts); short protein forms Q180*.
Identifiers: ClinVar variation 219364 (VCV000219364.12), dbSNP rs864622051, ClinGen allele CA348651.
Genomic context (GRCh38, chr14:94,382,700, plus strand): 5'-GCTCCTTGACCAAATCCACAATTTTCCCTTGAGTACCCTTCTCCACGTAATCGTTGATCT[G>A]TTTCTTGGCCTCTTCGGTGTCCCCGAAGTTGACAGTGAAGGCTTCTGAGTGGTACAACTT-3'

ClinVar aggregate classification (germline): Pathogenic. Review status: criteria provided, multiple submitters, no conflicts (2 of 4 stars). 4 submissions from 4 submitters: Pathogenic (3). 1 of the submissions does not count toward it. Last evaluated 2024-06-09.

Conditions:
Alpha-1-antitrypsin deficiency (A1ATD). Also called: AAT deficiency; A1AT deficiency; Alpha1-Antitrypsin Deficiency. Identifiers: Orphanet 60, MedGen C0221757, MONDO:0013282, OMIM 613490.

gnomAD v4.1: 1 of 1,614,236 alleles (0.000062%); highest among the groups gnomAD compares: East Asian, 0.0022%; no homozygotes.

Submissions (4):

Labcorp Genetics (formerly Invitae), Labcorp
Classification: Pathogenic for Alpha-1-antitrypsin deficiency. Last evaluated: 2024-06-09. Review status: criteria provided, single submitter. Criteria: Invitae Variant Classification Sherloc (09022015). Collection method: clinical testing. Allele origin: germline.
Comment: This sequence change creates a premature translational stop signal (p.Gln180*) in the SERPINA1 gene. It is expected to result in an absent or disrupted protein product. Loss-of-function variants in SERPINA1 are known to be pathogenic (PMID: 25425243). This variant is not present in population databases (gnomAD no frequency). This premature translational stop signal has been observed in individual(s) with alpha-1 antitrypsin deficiency (PMID: 31307431). This variant is also known as Q156X. ClinVar contains an entry for this variant (Variation ID: 219364). For these reasons, this variant has been classified as Pathogenic.

Baylor Genetics
Classification: Pathogenic for Alpha-1-antitrypsin deficiency. Last evaluated: 2023-10-04. Review status: criteria provided, single submitter. Criteria: ACMG Guidelines, 2015. Collection method: clinical testing. Allele origin: unknown.

HerediLab, Inc.
Classification: Pathogenic for Alpha-1-antitrypsin deficiency. Last evaluated: 2015-08-17. Review status: criteria provided, single submitter. Criteria: HerediLab_Assertion_Criteria. Collection method: research. Allele origin: germline. Affected: yes.

Counsyl
Classification: Likely pathogenic for Alpha-1-antitrypsin deficiency. Last evaluated: 2016-03-08. Review status: no assertion criteria provided. Collection method: clinical testing. Allele origin: unknown. Not counted in ClinVar's aggregate classification.

Literature cited by the submitters: PubMed 25425243 (cited by Labcorp Genetics (formerly Invitae), Labcorp and Counsyl); PubMed 31307431 (cited by Labcorp Genetics (formerly Invitae), Labcorp).